The following is an entry in ClinVar:

ClinVar aggregate classification (germline): Uncertain significance (1 of 4 stars; one submission).

Submission:

Labcorp Genetics (formerly Invitae), Labcorp
Classification: Uncertain significance. Last evaluated: 2025-10-06. Review status: criteria provided, single submitter. Criteria: Invitae Variant Classification Sherloc (09022015). Collection method: clinical testing. Allele origin: germline.
Comment: This sequence change creates a premature translational stop signal (p.Lys1408Asnfs*10) in the SAMD9L gene. While this is not anticipated to result in nonsense mediated decay, it is expected to disrupt the last 177 amino acid(s) of the SAMD9L protein. This variant is present in population databases (rs759143613, gnomAD 0.007%). This variant has not been reported in the literature in individuals affected with SAMD9L-related conditions. ClinVar contains an entry for this variant (Variation ID: 3695853). In summary, the available evidence is currently insufficient to determine the role of this variant in disease. Therefore, it has been classified as a Variant of Uncertain Significance.

NM_152703.5(SAMD9L):c.4224del (p.Lys1408fs)

Gene: SAMD9L (sterile alpha motif domain containing 9 like; minus strand). Cytogenetic location: 7q21.2.
Variant type: Deletion.
Coding change: c.4224del on transcript NM_152703.5 (MANE Select); coding-DNA position 4224, one base deleted (A; older notation c.4224delA).
Protein change: p.Lys1408fs; shifts the reading frame from lysine 1408.
Molecular consequence: frameshift variant.
Genome position (GRCh38, 1-based): chr7:93,131,748, T deleted on the plus strand (A on the coding strand, the reverse complement: SAMD9L is on the minus strand); the first of 7 consecutive T bases (chr7:93,131,748-93,131,754); deleting any one gives the same sequence. VCF-style (leftmost placement, unchanged base first): chr7-93131747-GT-G. GRCh37 (hg19) VCF-style: chr7-92761060-GT-G.
Other names: c.4224del, p.Lys1408fs (NM_001303496.3, NM_001303497.3, NM_001303498.3 and 5 more transcripts); short protein forms K1408fs.
Identifiers: ClinVar variation 3695853 (VCV003695853.2).
Genomic context (GRCh38, chr7:93,131,747, plus strand): 5'-AGAAATAAGGACCTGGATATTGATGACTTAGTCCTACAAATTGCAAGACCTCTCGGAGTT[GT>G]TTTTTTAGCGTGGTAAGTGGTTGAATTAACTTGGAGTTGGGCTTTAGACAACTCAGAATA-3'